The following is an entry in ClinVar:

ClinVar aggregate classification (germline): Uncertain significance. Review status: criteria provided, multiple submitters, no conflicts (2 of 4 stars). 2 submissions from 2 submitters: Uncertain significance (2). Last evaluated 2025-07-16.

Allele frequency attached by ClinVar (database versions not stated): gnomAD exomes below 0.00001; ExAC 0.00001.
gnomAD v4.1: 1 of 1,613,848 alleles (0.000062%); highest among the groups gnomAD compares: Non-Finnish European, 0.000085%; no homozygotes.

Submissions (2):

Labcorp Genetics (formerly Invitae), Labcorp
Classification: Uncertain significance. Last evaluated: 2025-07-16. Review status: criteria provided, single submitter. Criteria: Invitae Variant Classification Sherloc (09022015). Collection method: clinical testing. Allele origin: germline.
Comment: This sequence change replaces proline, which is neutral and non-polar, with leucine, which is neutral and non-polar, at codon 610 of the COL4A1 protein (p.Pro610Leu). This variant is present in population databases (rs779327410, gnomAD 0.0009%). This variant has not been reported in the literature in individuals affected with COL4A1-related conditions. ClinVar contains an entry for this variant (Variation ID: 2174437). Invitae Evidence Modeling of protein sequence and biophysical properties (such as structural, functional, and spatial information, amino acid conservation, physicochemical variation, residue mobility, and thermodynamic stability) indicates that this missense variant is not expected to disrupt COL4A1 protein function with a negative predictive value of 95%. In summary, the available evidence is currently insufficient to determine the role of this variant in disease. Therefore, it has been classified as a Variant of Uncertain Significance.

GeneDx
Classification: Uncertain significance. Last evaluated: 2024-10-08. Review status: criteria provided, single submitter. Criteria: GeneDx Variant Classification Process June 2021. Collection method: clinical testing. Allele origin: germline. Affected: yes.
Comment: Has not been previously published as pathogenic or benign to our knowledge; Not observed at significant frequency in large population cohorts (gnomAD); In silico analysis indicates that this missense variant does not alter protein structure/function; Occurs in the triple helical domain within an interruption of the canonical Gly-X-Y repeat

NM_001845.6(COL4A1):c.1829C>T (p.Pro610Leu)

Gene: COL4A1 (collagen type IV alpha 1 chain; minus strand). Cytogenetic location: 13q34.
Variant type: single nucleotide variant.
Coding change: c.1829C>T on transcript NM_001845.6 (MANE Select); coding-DNA position 1829, C replaced by T.
Protein change: p.Pro610Leu; replaces proline 610 with leucine.
Molecular consequence: missense variant.
Genome position (GRCh38, 1-based): chr13:110,186,453, G>A on the plus strand (C>T on the coding strand, the complement: COL4A1 is on the minus strand). VCF-style: chr13-110186453-G-A. GRCh37 (hg19) VCF-style: chr13-110838800-G-A.
Other names: c.1829C>T (NM_001845.4); short protein forms P610L.
Identifiers: ClinVar variation 2174437 (VCV002174437.5), dbSNP rs779327410, ClinGen allele CA7047819.